The following is an entry in ClinVar:

NM_013339.4(ALG6):c.279_280insACTGTCTCTTA (p.Trp94fs)

Gene: ALG6 (ALG6 alpha-1,3-glucosyltransferase; plus strand). Cytogenetic location: 1p31.3.
Variant type: Insertion.
Coding change: c.279_280insACTGTCTCTTA on transcript NM_013339.4 (MANE Select); coding-DNA positions 279 to 280, ACTGTCTCTTA inserted.
Protein change: p.Trp94fs; shifts the reading frame from tryptophan 94.
Molecular consequence: frameshift variant.
Genome position: GRCh38 VCF-style: chr1-63404474-C-CACTGTCTCTTA. GRCh37 (hg19) VCF-style: chr1-63870145-C-CACTGTCTCTTA.
Other names: short protein forms W94fs.
Identifiers: ClinVar variation 5011554 (VCV005011554.1).

ClinVar aggregate classification (germline): Pathogenic (1 of 4 stars; one submission).

Conditions:
ALG6-congenital disorder of glycosylation 1C (CDG1C). Also called: CDG Ic; CARBOHYDRATE-DEFICIENT GLYCOPROTEIN SYNDROME, TYPE I, WITH DEFICIENT GLYCOSYLATION OF DOLICHOL-LINKED OLIGOSACCHARIDE; CARBOHYDRATE-DEFICIENT GLYCOPROTEIN SYNDROME, TYPE V; Congenital disorder of glycosylation type 1C; Congenital disorder of glycosylation, type Ic. Identifiers: Orphanet 79320, MedGen C2930997, MONDO:0011291, OMIM 603147.

Submission:

Myriad Genetics, Inc.
Classification: Pathogenic for ALG6-congenital disorder of glycosylation 1C. Last evaluated: 2023-09-03. Review status: criteria provided, single submitter. Criteria: Myriad Autosomal Dominant, Autosomal Recessive and X-Linked Classification Criteria (2023). Collection method: clinical testing. Allele origin: unknown.
Comment: NM_013339.3(ALG6):c.279_280ins11(W94Tfs*28) is expected to be pathogenic in the context of congenital disorder of glycosylation, ALG6-related. This variant is predicted to lead to an abnormal or absent protein product due to the creation of a premature termination codon in ALG6, a gene where loss-of-function variants are known to be pathogenic. Please note: this variant was assessed in the context of healthy population screening.